The following is an entry in ClinVar:

ClinVar aggregate classification (germline): Conflicting classifications of pathogenicity. Review status: criteria provided, conflicting classifications (1 of 4 stars). 4 submissions from 4 submitters: Uncertain significance (3); Likely benign (1). Last evaluated 2023-12-03.

Conditions:
Congenital contractural arachnodactyly (CCA). Also called: Beals-Hecht syndrome; BEALS SYNDROME; Arthrogryposis, distal, type 9. Identifiers: Orphanet 115, MedGen C0220668, MONDO:0007363, OMIM 121050.

Allele frequency attached by ClinVar (database versions not stated): TOPMed 0.00001; gnomAD 0.00002 and 0.00003; gnomAD exomes 0.00002; ExAC 0.00003; 1000 Genomes Project 30x 0.00016; 1000 Genomes Project 0.00020.
gnomAD v4.1: 41 of 1,613,900 alleles (0.0025%); highest among the groups gnomAD compares: South Asian, 0.015%; no homozygotes.

Submissions (4):

Women's Health and Genetics/Laboratory Corporation of America, LabCorp
Classification: Uncertain significance. Last evaluated: 2023-12-03. Review status: criteria provided, single submitter. Criteria: LabCorp Variant Classification Summary - May 2015. Collection method: clinical testing. Allele origin: germline.

Labcorp Genetics (formerly Invitae), Labcorp
Classification: Likely benign for Congenital contractural arachnodactyly. Last evaluated: 2023-09-08. Review status: criteria provided, single submitter. Criteria: Invitae Variant Classification Sherloc (09022015). Collection method: clinical testing. Allele origin: germline.

CeGaT Center for Human Genetics Tuebingen
Classification: Uncertain significance. Last evaluated: 2023-02-01. Review status: criteria provided, single submitter. Criteria: CeGaT Center For Human Genetics Tuebingen Variant Classification Criteria Version 2. Collection method: clinical testing. Allele origin: germline. Affected: yes. Observed: 1 variant allele.
Comment: FBN2: PM5

AiLife Diagnostics
Classification: Uncertain significance. Last evaluated: 2021-11-18. Review status: criteria provided, single submitter. Criteria: ACMG Guidelines, 2015. Collection method: clinical testing. Allele origin: germline. Affected: yes. Observed: 1 variant allele.

NM_001999.4(FBN2):c.3349G>A (p.Asp1117Asn)

Gene: FBN2 (fibrillin 2; minus strand). Cytogenetic location: 5q23.3.
Variant type: single nucleotide variant.
Coding change: c.3349G>A on transcript NM_001999.4 (MANE Select); coding-DNA position 3349, G replaced by A.
Protein change: p.Asp1117Asn; replaces aspartic acid 1117 with asparagine.
Molecular consequence: missense variant.
Genome position (GRCh38, 1-based): chr5:128,339,056, C>T on the plus strand (G>A on the coding strand, the complement: FBN2 is on the minus strand). VCF-style: chr5-128339056-C-T. GRCh37 (hg19) VCF-style: chr5-127674748-C-T.
Other names: short protein forms D1117N.
Identifiers: ClinVar variation 1677634 (VCV001677634.31), dbSNP rs537477883, ClinGen allele CA3395254.